The following is an entry in ClinVar:

ClinVar aggregate classification (germline): Uncertain significance. Review status: criteria provided, multiple submitters, no conflicts (2 of 4 stars). 2 submissions from 2 submitters: Uncertain significance (2). Last evaluated 2024-12-17.

Conditions:
Werner syndrome (WRN). Identifiers: Orphanet 902, MedGen C0043119, MONDO:0010196, OMIM 277700.

Allele frequency attached by ClinVar (database versions not stated): gnomAD exomes below 0.00001 and 0.00001; TOPMed below 0.00001; ExAC 0.00001.
gnomAD v4.1: 11 of 1,603,842 alleles (0.00069%); highest among the groups gnomAD compares: Non-Finnish European, 0.00094%; no homozygotes.

Submissions (2):

GeneDx
Classification: Uncertain significance. Last evaluated: 2024-12-17. Review status: criteria provided, single submitter. Criteria: GeneDx Variant Classification Process June 2021. Collection method: clinical testing. Allele origin: germline. Affected: yes.
Comment: Not observed at significant frequency in large population cohorts (gnomAD); In silico analysis indicates that this missense variant does not alter protein structure/function; Has not been previously published as pathogenic or benign to our knowledge

Labcorp Genetics (formerly Invitae), Labcorp
Classification: Uncertain significance for Werner syndrome. Last evaluated: 2019-04-17. Review status: criteria provided, single submitter. Criteria: Invitae Variant Classification Sherloc (09022015). Collection method: clinical testing. Allele origin: germline.
Comment: This sequence change replaces proline with serine at codon 1095 of the WRN protein (p.Pro1095Ser). The proline residue is moderately conserved and there is a moderate physicochemical difference between proline and serine. This variant is present in population databases (rs779724704, ExAC 0.002%). This variant has not been reported in the literature in individuals with WRN-related disease. ClinVar contains an entry for this variant (Variation ID: 404025). Algorithms developed to predict the effect of missense changes on protein structure and function output the following: (SIFT: Tolerated; PolyPhen-2: Benign; Align-GVGD: Class C0). The serine amino acid residue is also found in multiple mammalian species, suggesting that this missense change does not adversely affect protein function. These predictions have not been confirmed by published functional studies. In summary, the available evidence is currently insufficient to determine the role of this variant in disease. Therefore, it has been classified as a Variant of Uncertain Significance.

NM_000553.6(WRN):c.3283C>T (p.Pro1095Ser)

Gene: WRN (WRN RecQ like helicase; plus strand). Cytogenetic location: 8p12.
Variant type: single nucleotide variant.
Coding change: c.3283C>T on transcript NM_000553.6 (MANE Select); coding-DNA position 3283, C replaced by T.
Protein change: p.Pro1095Ser; replaces proline 1095 with serine.
Molecular consequence: missense variant.
Genome position (GRCh38, 1-based): chr8:31,142,675, C>T. VCF-style: chr8-31142675-C-T. GRCh37 (hg19) VCF-style: chr8-31000191-C-T.
Other names: short protein forms P1095S.
Identifiers: ClinVar variation 404025 (VCV000404025.4), dbSNP rs779724704, ClinGen allele CA4704996.
Genomic context (GRCh38, chr8:31,142,675, plus strand): 5'-TTATTTTTTAGTTCGAAAACTGTATCTTCGGGCACCAAAGAGCATTGTTATAATCAAGTA[C>T]CAGTTGAATTAAGTACAGAGAAGAAGGTTTGTTTTAAAGAAATTGTTCTGATTTATTTCA-3'
Protein context (NP_000544.2, residues 1085-1105): GTKEHCYNQV[Pro1095Ser]VELSTEKKSN